The following is an entry in ClinVar:

ClinVar aggregate classification (germline): Uncertain significance (1 of 4 stars; one submission).

Submission:

Labcorp Genetics (formerly Invitae), Labcorp
Classification: Uncertain significance. Last evaluated: 2021-02-14. Review status: criteria provided, single submitter. Criteria: Invitae Variant Classification Sherloc (09022015). Collection method: clinical testing. Allele origin: germline.
Comment: This variant has not been reported in the literature in individuals with OBSL1-related conditions. In summary, the available evidence is currently insufficient to determine the role of this variant in disease. Therefore, it has been classified as a Variant of Uncertain Significance. Algorithms developed to predict the effect of sequence changes on RNA splicing suggest that this variant may create or strengthen a splice site, but this prediction has not been confirmed by published transcriptional studies. Algorithms developed to predict the effect of missense changes on protein structure and function are either unavailable or do not agree on the potential impact of this missense change (SIFT: "Deleterious"; PolyPhen-2: "Probably Damaging"; Align-GVGD: "Class C0"). The frequency data for this variant in the population databases is considered unreliable, as metrics indicate insufficient coverage at this position in the ExAC database. This sequence change replaces leucine with glutamine at codon 1725 of the OBSL1 protein (p.Leu1725Gln). The leucine residue is weakly conserved and there is a moderate physicochemical difference between leucine and glutamine.

NM_015311.3(OBSL1):c.5174T>A (p.Leu1725Gln)

Gene: OBSL1 (obscurin like cytoskeletal adaptor 1; minus strand). Cytogenetic location: 2q35.
Variant type: single nucleotide variant.
Coding change: c.5174T>A on transcript NM_015311.3 (MANE Select); coding-DNA position 5174, T replaced by A.
Protein change: p.Leu1725Gln; replaces leucine 1725 with glutamine.
Molecular consequence: missense variant.
Genome position (GRCh38, 1-based): chr2:219,552,670, A>T on the plus strand (T>A on the coding strand, the complement: OBSL1 is on the minus strand). VCF-style: chr2-219552670-A-T. GRCh37 (hg19) VCF-style: chr2-220417392-A-T.
Other names: short protein forms L1725Q.
Identifiers: ClinVar variation 1465228 (VCV001465228.8), dbSNP rs1163999625, ClinGen allele CA350719385.